The following is an entry in ClinVar:

ClinVar aggregate classification (germline): Uncertain significance (1 of 4 stars; one submission).

Submission:

Labcorp Genetics (formerly Invitae), Labcorp
Classification: Uncertain significance. Last evaluated: 2024-08-29. Review status: criteria provided, single submitter. Criteria: Invitae Variant Classification Sherloc (09022015). Collection method: clinical testing. Allele origin: germline.
Comment: This sequence change replaces alanine, which is neutral and non-polar, with valine, which is neutral and non-polar, at codon 914 of the POLE protein (p.Ala914Val). This variant is not present in population databases (gnomAD no frequency). This variant has not been reported in the literature in individuals affected with POLE-related conditions. Invitae Evidence Modeling of protein sequence and biophysical properties (such as structural, functional, and spatial information, amino acid conservation, physicochemical variation, residue mobility, and thermodynamic stability) indicates that this missense variant is not expected to disrupt POLE protein function with a negative predictive value of 80%. In summary, the available evidence is currently insufficient to determine the role of this variant in disease. Therefore, it has been classified as a Variant of Uncertain Significance.

NM_006231.4(POLE):c.2741C>T (p.Ala914Val)

Gene: POLE (DNA polymerase epsilon, catalytic subunit; minus strand). Cytogenetic location: 12q24.33.
Variant type: single nucleotide variant.
Coding change: c.2741C>T on transcript NM_006231.4 (MANE Select); coding-DNA position 2741, C replaced by T.
Protein change: p.Ala914Val; replaces alanine 914 with valine.
Molecular consequence: missense variant.
Genome position (GRCh38, 1-based): chr12:132,661,650, G>A on the plus strand (C>T on the coding strand, the complement: POLE is on the minus strand). VCF-style: chr12-132661650-G-A. GRCh37 (hg19) VCF-style: chr12-133238236-G-A.
Other names: short protein forms A914V.
Identifiers: ClinVar variation 3661919 (VCV003661919.2).